The following is an entry in ClinVar:

ClinVar aggregate classification (germline): Uncertain significance (1 of 4 stars; one submission).

Submission:

Dasa
Classification: Uncertain significance. Last evaluated: 2025-11-03. Review status: criteria provided, single submitter. Criteria: DASA Assertion Criteria. Collection method: clinical testing. Allele origin: germline.
Comment: NM_001429.4(EP300):c.3316T>A (p.Leu1106Ile) is a missense variant that results in the substitution of leucine with isoleucine. This variant is absent from population databases. The currently available literature and clinical evidence are not sufficient to establish a definitive association between this variant and the reported condition. Therefore, this variant is classified as a variant of uncertain significance.

NM_001429.4(EP300):c.3316T>A (p.Leu1106Ile)

Gene: EP300 (EP300 lysine acetyltransferase; plus strand). Cytogenetic location: 22q13.2.
Variant type: single nucleotide variant.
Coding change: c.3316T>A on transcript NM_001429.4 (MANE Select); coding-DNA position 3316, T replaced by A.
Protein change: p.Leu1106Ile; replaces leucine 1106 with isoleucine.
Molecular consequence: missense variant.
Genome position (GRCh38, 1-based): chr22:41,157,223, T>A. VCF-style: chr22-41157223-T-A. GRCh37 (hg19) VCF-style: chr22-41553227-T-A.
Other names: c.3238T>A, p.Leu1080Ile (NM_001362843.2); short protein forms L1080I, L1106I.
Identifiers: ClinVar variation 4886241 (VCV004886241.2).